The following is an entry in ClinVar:

ClinVar aggregate classification (germline): Uncertain significance (1 of 4 stars; one submission).

Conditions:
MYH3-related disorder. Also called: MYH3-related condition; MYH3-Related Disorders. Identifiers: MedGen CN239329.

Submission:

Illumina Laboratory Services, Illumina
Classification: Uncertain significance for MYH3-related disorder. Last evaluated: 2023-06-01. Review status: criteria provided, single submitter. Criteria: ICSLVariantClassificationCriteria RUGD 01 April 2020. Collection method: clinical testing. Allele origin: unknown.
Comment: The MYH3 c.3593C>A, p.(Ala1198Glu) missense variant has not, to our knowledge, been reported in the peer reviewed literature. This variant is not observed in version 2.1.1 or version 3.1.2 of the Genome Aggregation Database. Based on the available evidence, the c.3593C>A, p.(Ala1198Glu) variant is classified as a variant of uncertain significance for MYH3-related disorders.

NM_002470.4(MYH3):c.3593C>A (p.Ala1198Glu)

Gene: MYH3 (myosin heavy chain 3; minus strand). Cytogenetic location: 17p13.1.
Variant type: single nucleotide variant.
Coding change: c.3593C>A on transcript NM_002470.4 (MANE Select); coding-DNA position 3593, C replaced by A.
Protein change: p.Ala1198Glu; replaces alanine 1198 with glutamic acid.
Molecular consequence: missense variant.
Genome position (GRCh38, 1-based): chr17:10,638,179, G>T on the plus strand (C>A on the coding strand, the complement: MYH3 is on the minus strand). VCF-style: chr17-10638179-G-T. GRCh37 (hg19) VCF-style: chr17-10541496-G-T.
Other names: short protein forms A1198E.
Identifiers: ClinVar variation 2637954 (VCV002637954.1), dbSNP rs374929326, ClinGen allele CA398151203.